The following is an entry in ClinVar:

NM_033026.6(PCLO):c.10149G>A (p.Gln3383=)

Gene: PCLO (piccolo presynaptic cytomatrix protein; minus strand). Cytogenetic location: 7q21.11.
Variant type: single nucleotide variant.
Coding change: c.10149G>A on transcript NM_033026.6 (MANE Select); coding-DNA position 10149, G replaced by A.
Protein change: p.Gln3383=; no amino-acid change (glutamine 3383 retained).
Molecular consequence: synonymous variant.
Genome position (GRCh38, 1-based): chr7:82,950,439, C>T on the plus strand (G>A on the coding strand, the complement: PCLO is on the minus strand). VCF-style: chr7-82950439-C-T. GRCh37 (hg19) VCF-style: chr7-82579755-C-T.
Other names: c.10149G>A, p.Gln3383= (NM_014510.3); c.10149G>A (NM_033026.5).
Identifiers: ClinVar variation 1591685 (VCV001591685.10), dbSNP rs149116161, ClinGen allele CA4319786.

ClinVar aggregate classification (germline): Likely benign. Review status: criteria provided, single submitter (1 of 4 stars). 2 submissions from 2 submitters: Likely benign (1). 1 of the submissions does not count toward it. Last evaluated 2025-11-08.

Conditions:
PCLO-related disorder. Also called: PCLO-related condition.

Allele frequency attached by ClinVar (database versions not stated): gnomAD exomes 0.00002 and 0.00006; ExAC 0.00007; 1000 Genomes Project 30x 0.00016; gnomAD 0.00017 and 0.00018; 1000 Genomes Project 0.00020; TOPMed 0.00029; ESP Exome Variant Server 0.00033.
gnomAD v4.1: 64 of 1,613,714 alleles (0.004%); highest among the groups gnomAD compares: African/African-American, 0.075%; no homozygotes.

Submissions (2):

Labcorp Genetics (formerly Invitae), Labcorp
Classification: Likely benign. Last evaluated: 2025-11-08. Review status: criteria provided, single submitter. Criteria: Invitae Variant Classification Sherloc (09022015). Collection method: clinical testing. Allele origin: germline.

PreventionGenetics, part of Exact Sciences
Classification: Likely benign for PCLO-related condition. Last evaluated: 2019-09-17. Review status: no assertion criteria provided. Collection method: clinical testing. Allele origin: germline. Not counted in ClinVar's aggregate classification.
Comment: This variant is classified as likely benign based on ACMG/AMP sequence variant interpretation guidelines (Richards et al. 2015 PMID: 25741868, with internal and published modifications).